The following is an entry in ClinVar:

ClinVar aggregate classification (germline): Uncertain significance (1 of 4 stars; one submission).

Allele frequency attached by ClinVar (database versions not stated): gnomAD exomes 0.00001; TOPMed 0.00001.
gnomAD v4.1: 2 of 1,181,900 alleles (0.00017%); highest among the groups gnomAD compares: Non-Finnish European, 0.00021%; no homozygotes.

Submission:

Labcorp Genetics (formerly Invitae), Labcorp
Classification: Uncertain significance. Last evaluated: 2022-02-04. Review status: criteria provided, single submitter. Criteria: Invitae Variant Classification Sherloc (09022015). Collection method: clinical testing. Allele origin: germline.
Comment: This sequence change replaces threonine, which is neutral and polar, with arginine, which is basic and polar, at codon 28 of the ATOH7 protein (p.Thr28Arg). This variant is not present in population databases (gnomAD no frequency). This variant has not been reported in the literature in individuals affected with ATOH7-related conditions. ClinVar contains an entry for this variant (Variation ID: 1000291). Algorithms developed to predict the effect of missense changes on protein structure and function (SIFT, PolyPhen-2, Align-GVGD) all suggest that this variant is likely to be tolerated. In summary, the available evidence is currently insufficient to determine the role of this variant in disease. Therefore, it has been classified as a Variant of Uncertain Significance.

NM_145178.4(ATOH7):c.83C>G (p.Thr28Arg)

Genes: ATOH7 (atonal bHLH transcription factor 7; minus strand), LOC130003943 (ATAC-STARR-seq lymphoblastoid silent region 2418; plus strand). Cytogenetic location: 10q21.3.
Variant type: single nucleotide variant.
Coding change: c.83C>G on transcript NM_145178.4 (MANE Select); coding-DNA position 83, C replaced by G.
Protein change: p.Thr28Arg; replaces threonine 28 with arginine.
Molecular consequence: missense variant.
Genome position (GRCh38, 1-based): chr10:68,231,595, G>C on the plus strand (C>G on the coding strand, the complement: ATOH7 is on the minus strand). VCF-style: chr10-68231595-G-C. GRCh37 (hg19) VCF-style: chr10-69991352-G-C.
Other names: short protein forms T28R.
Identifiers: ClinVar variation 1000291 (VCV001000291.8), dbSNP rs2044028072, ClinGen allele CA376837552.